The following is an entry in ClinVar:

ClinVar aggregate classification (germline): Uncertain significance (1 of 4 stars; one submission).

Submission:

Labcorp Genetics (formerly Invitae), Labcorp
Classification: Uncertain significance. Last evaluated: 2025-02-25. Review status: criteria provided, single submitter. Criteria: Invitae Variant Classification Sherloc (09022015). Collection method: clinical testing. Allele origin: germline.
Comment: This sequence change replaces valine, which is neutral and non-polar, with isoleucine, which is neutral and non-polar, at codon 329 of the NCKAP1L protein (p.Val329Ile). This variant is not present in population databases (gnomAD no frequency). This variant has not been reported in the literature in individuals affected with NCKAP1L-related conditions. An algorithm developed to predict the effect of missense changes on protein structure and function (PolyPhen-2) suggests that this variant is likely to be tolerated. In summary, the available evidence is currently insufficient to determine the role of this variant in disease. Therefore, it has been classified as a Variant of Uncertain Significance.

NM_005337.5(NCKAP1L):c.985G>A (p.Val329Ile)

Gene: NCKAP1L (NCK associated protein 1 like; plus strand). Cytogenetic location: 12q13.2.
Variant type: single nucleotide variant.
Coding change: c.985G>A on transcript NM_005337.5 (MANE Select); coding-DNA position 985, G replaced by A.
Protein change: p.Val329Ile; replaces valine 329 with isoleucine.
Molecular consequence: missense variant.
Genome position (GRCh38, 1-based): chr12:54,516,282, G>A. VCF-style: chr12-54516282-G-A. GRCh37 (hg19) VCF-style: chr12-54910066-G-A.
Other names: c.835G>A, p.Val279Ile (NM_001184976.2); short protein forms V329I, V279I.
Identifiers: ClinVar variation 4762608 (VCV004762608.1).